The following is an entry in ClinVar:

ClinVar aggregate classification (germline): Benign. Review status: criteria provided, multiple submitters, no conflicts (2 of 4 stars). 3 submissions from 3 submitters: Benign (2). 1 of the submissions does not count toward it. Last evaluated 2026-02-01.

Conditions:
KRT6B-related disorder. Also called: KRT6B-related condition.

Allele frequency attached by ClinVar (database versions not stated): ESP Exome Variant Server 0.02576; gnomAD 0.03228 and 0.03427; TOPMed 0.03623; 1000 Genomes Project 30x 0.03873.
gnomAD v4.1: 11,463 of 1,610,036 alleles (0.71%); highest among the groups gnomAD compares: African/African-American, 11%; 453 homozygotes.

Submissions (3):

Labcorp Genetics (formerly Invitae), Labcorp
Classification: Benign. Last evaluated: 2026-02-01. Review status: criteria provided, single submitter. Criteria: Invitae Variant Classification Sherloc (09022015). Collection method: clinical testing. Allele origin: germline.

Breakthrough Genomics
Classification: Benign. Review status: criteria provided, single submitter. Criteria: ACMG Guidelines, 2015. Collection method: not provided. Allele origin: germline. Inheritance: Autosomal dominant inheritance. Affected: yes.

PreventionGenetics, part of Exact Sciences
Classification: Benign for KRT6B-related condition. Last evaluated: 2024-03-27. Review status: no assertion criteria provided. Collection method: clinical testing. Allele origin: germline. Not counted in ClinVar's aggregate classification.
Comment: This variant is classified as benign based on ACMG/AMP sequence variant interpretation guidelines (Richards et al. 2015 PMID: 25741868, with internal and published modifications).

NM_005555.4(KRT6B):c.912+8A>T

Gene: KRT6B (keratin 6B; minus strand). Cytogenetic location: 12q13.13.
Variant type: single nucleotide variant.
Coding change: c.912+8A>T on transcript NM_005555.4 (MANE Select); 8 bases into the intron after coding-DNA position 912, A replaced by T.
Molecular consequence: intron variant.
Genome position (GRCh38, 1-based): chr12:52,449,750, T>A on the plus strand (A>T on the coding strand, the complement: KRT6B is on the minus strand). VCF-style: chr12-52449750-T-A. GRCh37 (hg19) VCF-style: chr12-52843534-T-A.
Other names: c.912+8A>T (NM_005555.3).
Identifiers: ClinVar variation 1601152 (VCV001601152.10), dbSNP rs425827, ClinGen allele CA6580629.
Genomic context (GRCh38, chr12:52,449,750, plus strand): 5'-AGCCCTGTACATCTTCTCCCCTTTGCAGACCCCATCAGAGTAAACAGAAGGATGGTGGAG[T>A]TGCTTACTGCATCATACAAGGCTCTCAGGAAGTTGATCTCATCTGTAAGAGTGTCTGCCT-3'